The following is an entry in ClinVar:

ClinVar aggregate classification (germline): Conflicting classifications of pathogenicity. Review status: no assertion criteria provided (0 of 4 stars). 2 submissions from 2 submitters: Uncertain significance (1); Likely benign (1). Last evaluated 2019-12-23.

Conditions:
AGTR2-related disorder. Also called: AGTR2-related condition.

Allele frequency attached by ClinVar (database versions not stated): gnomAD exomes 0.00055; ExAC 0.00076; TOPMed 0.00216; gnomAD 0.00217 and 0.00228; 1000 Genomes Project 0.00238; 1000 Genomes Project 30x 0.00250.

Submissions (2):

PreventionGenetics, part of Exact Sciences
Classification: Likely benign for AGTR2-related condition. Last evaluated: 2019-12-23. Review status: no assertion criteria provided. Collection method: clinical testing. Allele origin: germline.
Comment: This variant is classified as likely benign based on ACMG/AMP sequence variant interpretation guidelines (Richards et al. 2015 PMID: 25741868, with internal and published modifications).

OMIM
Classification: Uncertain significance for RECLASSIFIED - VARIANT OF UNKNOWN SIGNIFICANCE. Last evaluated: 2013-08-08. Review status: no assertion criteria provided. Collection method: literature only. Allele origin: germline.

Literature cited by the submitters: PubMed 12089445 (cited by OMIM); PubMed 23871722 (cited by OMIM).

NM_000686.5(AGTR2):c.971G>A (p.Arg324Gln)

Gene: AGTR2 (angiotensin II receptor type 2; plus strand). Cytogenetic location: Xq23.
Variant type: single nucleotide variant.
Coding change: c.971G>A on transcript NM_000686.5 (MANE Select); coding-DNA position 971, G replaced by A.
Protein change: p.Arg324Gln; replaces arginine 324 with glutamine.
Molecular consequence: missense variant.
Genome position (GRCh38, 1-based): chrX:116,173,251, G>A. VCF-style: chrX-116173251-G-A. GRCh37 (hg19) VCF-style: chrX-115304504-G-A.
Other names: c.971G>A (NM_000686.4); short protein forms R324Q.
Identifiers: ClinVar variation 11718 (VCV000011718.3), dbSNP rs35474657, ClinGen allele CA229237.